The following is an entry in ClinVar:

ClinVar aggregate classification (germline): Uncertain significance. Review status: criteria provided, multiple submitters, no conflicts (2 of 4 stars). 4 submissions from 4 submitters: Uncertain significance (4). Last evaluated 2025-02-05.

Conditions:
Hereditary spherocytosis type 1. Also called: Spherocytosis type 1; ANK1-Related Spherocytosis. Identifiers: Orphanet 822, MedGen C2674218, MONDO:0008447, OMIM 182900.
Inborn genetic diseases. Identifiers: MedGen C0950123, MeSH D030342.

gnomAD v4.1: 5 of 1,596,886 alleles (0.00031%); highest among the groups gnomAD compares: Non-Finnish European, 0.00034%; no homozygotes.

Submissions (4):

ARUP Laboratories, Molecular Genetics and Genomics, ARUP Laboratories
Classification: Uncertain significance for Hereditary spherocytosis type 1. Last evaluated: 2025-02-05. Review status: criteria provided, single submitter. Criteria: ARUP Molecular Germline Variant Investigation Process 2024. Collection method: clinical testing. Allele origin: germline.
Comment: The ANK1 c.628C>G; p.Leu210Val variant, to our knowledge, is not reported in the medical literature but is reported in ClinVar (Variation ID: 2301110). This variant is also absent from the Genome Aggregation Database (v2.1.1), indicating it is not a common polymorphism. Computational analyses are uncertain whether this variant is neutral or deleterious (REVEL: 0.682). Due to limited information, the clinical significance of this variant is uncertain at this time.

Revvity Omics, Revvity
Classification: Uncertain significance for Hereditary spherocytosis type 1. Last evaluated: 2024-06-17. Review status: criteria provided, single submitter. Criteria: ACMG Guidelines, 2015. Collection method: clinical testing. Allele origin: germline.

Mayo Clinic Laboratories, Mayo Clinic
Classification: Uncertain significance. Last evaluated: 2024-04-09. Review status: criteria provided, single submitter. Criteria: ACMG Guidelines, 2015. Collection method: clinical testing. Allele origin: germline. Observed: 1 variant allele.
Comment: PM2_moderate

Ambry Genetics
Classification: Uncertain significance for Inborn genetic diseases. Last evaluated: 2022-07-12. Review status: criteria provided, single submitter. Criteria: Ambry Variant Classification Scheme 2023. Collection method: clinical testing. Allele origin: germline.

NM_000037.4(ANK1):c.628C>G (p.Leu210Val)

Gene: ANK1 (ankyrin 1; minus strand). Cytogenetic location: 8p11.21.
Variant type: single nucleotide variant.
Coding change: c.628C>G on transcript NM_000037.4 (MANE Select); coding-DNA position 628, C replaced by G.
Protein change: p.Leu210Val; replaces leucine 210 with valine.
Molecular consequence: missense variant.
Genome position (GRCh38, 1-based): chr8:41,724,539, G>C on the plus strand (C>G on the coding strand, the complement: ANK1 is on the minus strand). VCF-style: chr8-41724539-G-C. GRCh37 (hg19) VCF-style: chr8-41582057-G-C.
Other names: p.Leu210Val; c.727C>G, p.Leu243Val (NM_001142446.2); c.628C>G, p.Leu210Val (NM_020475.3, NM_020476.3, NM_020477.3); short protein forms L210V, L243V.
Identifiers: ClinVar variation 2301110 (VCV002301110.5), dbSNP rs2486976676, ClinGen allele CA371043532.
Genomic context (GRCh38, chr8:41,724,539, plus strand): 5'-CTCCTCTGTTGAGGAGCAACTGGGCCACGTTGAGGTTCTCGTAGTGAGCCGCAATGTGCA[G>C]GGGCGTGAATCCCGTCTGGGGCACAACAGAGGGGGAGAAACTTGTTATATGTGATTTACT-3'
Protein context (NP_000028.3, residues 200-220): DVLSKTGFTP[Leu210Val]HIAAHYENLN